The following is an entry in ClinVar:

ClinVar aggregate classification (germline): Benign/Likely benign. Review status: criteria provided, multiple submitters, no conflicts (2 of 4 stars). 4 submissions from 4 submitters: Benign (1); Likely benign (3). Last evaluated 2026-01-15.

Conditions:
Factor I deficiency (CFID). Also called: Complement factor I deficiency. Identifiers: Orphanet 200418, MedGen C3463916, MONDO:0012594, OMIM 610984.
Atypical hemolytic-uremic syndrome with I factor anomaly. Also called: HEMOLYTIC UREMIC SYNDROME, ATYPICAL, SUSCEPTIBILITY TO, 3; AHUS, SUSCEPTIBILITY TO, 3. Identifiers: Orphanet 2134, MedGen C2752039, MONDO:0013041, OMIM 612923.
Age related macular degeneration 13. Identifiers: MedGen C3809523, MONDO:0014189, OMIM 615439.

Allele frequency attached by ClinVar (database versions not stated): gnomAD exomes 0.00002 and 0.00004; gnomAD 0.00003; TOPMed 0.00004; 1000 Genomes Project 0.00020; 1000 Genomes Project 30x 0.00031; ExAC 0.00002.
gnomAD v4.1: 19 of 1,614,074 alleles (0.0012%); highest among the groups gnomAD compares: Admixed American, 0.032%; no homozygotes.

Submissions (4):

Labcorp Genetics (formerly Invitae), Labcorp
Classification: Likely benign. Last evaluated: 2026-01-15. Review status: criteria provided, single submitter. Criteria: Invitae Variant Classification Sherloc (09022015). Collection method: clinical testing. Allele origin: germline.

Women's Health and Genetics/Laboratory Corporation of America, LabCorp
Classification: Likely benign. Last evaluated: 2024-04-02. Review status: criteria provided, single submitter. Criteria: LabCorp Variant Classification Summary - May 2015. Collection method: clinical testing. Allele origin: germline.
Comment: Variant summary: CFI c.1429+8T>C alters a non-conserved nucleotide located close to a canonical splice site and therefore could affect mRNA splicing, leading to a significantly altered protein sequence. Consensus agreement among computation tools predict no significant impact on normal splicing. However, these predictions have yet to be confirmed by functional studies. The variant allele was found at a frequency of 3.6e-05 in 251252 control chromosomes. The available data on variant occurrences in the general population are insufficient to allow any conclusion about variant significance. To our knowledge, no occurrence of c.1429+8T>C in individuals affected with Complement Factor I Deficiency and no experimental evidence demonstrating its impact on protein function have been reported. ClinVar contains an entry for this variant (Variation ID: 347151). Based on the evidence outlined above, the variant was classified as likely benign.

Fulgent Genetics
Classification: Likely benign for Factor I deficiency; Atypical hemolytic-uremic syndrome with I factor anomaly; Age related macular degeneration 13. Last evaluated: 2021-11-22. Review status: criteria provided, single submitter. Criteria: ACMG Guidelines, 2015. Collection method: clinical testing. Allele origin: unknown.

Illumina Laboratory Services, Illumina
Classification: Benign for Atypical hemolytic-uremic syndrome with I factor anomaly. Last evaluated: 2018-01-13. Review status: criteria provided, single submitter. Criteria: ICSL Variant Classification Criteria 13 December 2019. Collection method: clinical testing. Allele origin: germline.
Comment: This variant was observed in the ICSL laboratory as part of a predisposition screen in an ostensibly healthy population. It had not been previously curated by ICSL or reported in the Human Gene Mutation Database (HGMD: prior to June 1st, 2018), and was therefore a candidate for classification through an automated scoring system. Utilizing variant allele frequency, disease prevalence and penetrance estimates, and inheritance mode, an automated score was calculated to assess if this variant is too frequent to cause the disease. Based on the score and internal cut-off values, a variant classified as benign is not then subjected to further curation. The score for this variant resulted in a classification of benign for this disease.

NM_000204.5(CFI):c.1429+8T>C

Gene: CFI (complement factor I; minus strand). Cytogenetic location: 4q25.
Variant type: single nucleotide variant.
Coding change: c.1429+8T>C on transcript NM_000204.5 (MANE Select); 8 bases into the intron after coding-DNA position 1429, T replaced by C.
Molecular consequence: intron variant.
Genome position (GRCh38, 1-based): chr4:109,746,214, A>G on the plus strand (T>C on the coding strand, the complement: CFI is on the minus strand). VCF-style: chr4-109746214-A-G. GRCh37 (hg19) VCF-style: chr4-110667370-A-G.
Other names: c.1408+8T>C (NM_001375282.1, NM_001375280.1, NM_001331035.2); c.1429+8T>C (NM_001375281.1, NM_001375279.1); c.1453+8T>C (NM_001375278.1, NM_001318057.2); c.820+8T>C (NM_001375284.1); c.1372+8T>C (NM_001375283.1).
Identifiers: ClinVar variation 347151 (VCV000347151.14), dbSNP rs184313022, ClinGen allele CA3041913.